The following is an entry in ClinVar:

ClinVar aggregate classification (germline): Conflicting classifications of pathogenicity. Review status: criteria provided, conflicting classifications (1 of 4 stars). 3 submissions from 3 submitters: Uncertain significance (2); Benign (1). Last evaluated 2025-11-20.

Conditions:
Hereditary cancer-predisposing syndrome. Also called: Neoplastic Syndromes, Hereditary; Hereditary neoplastic syndrome; Tumor predisposition; Hereditary Cancer Syndrome. Identifiers: Orphanet 140162, MedGen C0027672, MeSH D009386, MONDO:0015356.
Isolated focal cortical dysplasia type II (FCORD2). Also called: CORTICAL DYSPLASIA OF TAYLOR; Focal cortical dysplasia type II. Identifiers: Orphanet 268994, MedGen C1846385, MONDO:0011818, OMIM 607341, HP:0032051.
Tuberous sclerosis 2 (TSC2). Identifiers: Orphanet 805, MedGen C1860707, MONDO:0013199, OMIM 613254.
Lymphangiomyomatosis (LAM). Also called: Lymphangioleiomyomatosis; Lymphangioleiomyomatosis, somatic. Identifiers: Orphanet 538, MedGen C0751674, MONDO:0011705, OMIM 606690.

Allele frequency attached by ClinVar (database versions not stated): gnomAD exomes below 0.00001; ExAC 0.00001; gnomAD 0.00001.
gnomAD v4.1: 1 of 1,613,264 alleles (0.000062%); highest among the groups gnomAD compares: Non-Finnish European, 0.000085%; no homozygotes.

Submissions (3):

Labcorp Genetics (formerly Invitae), Labcorp
Classification: Benign for Tuberous sclerosis 2. Last evaluated: 2025-11-20. Review status: criteria provided, single submitter. Criteria: Invitae Variant Classification Sherloc (09022015). Collection method: clinical testing. Allele origin: germline.

Ambry Genetics
Classification: Uncertain significance for Hereditary cancer-predisposing syndrome. Last evaluated: 2023-12-15. Review status: criteria provided, single submitter. Criteria: Ambry Variant Classification Scheme 2023. Collection method: clinical testing. Allele origin: germline.
Comment: The p.A580G variant (also known as c.1739C>G), located in coding exon 16 of the TSC2 gene, results from a C to G substitution at nucleotide position 1739. The alanine at codon 580 is replaced by glycine, an amino acid with similar properties. This amino acid position is conserved. In addition, the in silico prediction for this alteration is inconclusive. Since supporting evidence is limited at this time, the clinical significance of this alteration remains unclear.

Fulgent Genetics
Classification: Uncertain significance for Lymphangiomyomatosis; Isolated focal cortical dysplasia type II; Tuberous sclerosis 2. Last evaluated: 2022-01-28. Review status: criteria provided, single submitter. Criteria: ACMG Guidelines, 2015. Collection method: clinical testing. Allele origin: unknown.

NM_000548.5(TSC2):c.1739C>G (p.Ala580Gly)

Gene: TSC2 (TSC complex subunit 2; plus strand). Cytogenetic location: 16p13.3.
Variant type: single nucleotide variant.
Coding change: c.1739C>G on transcript NM_000548.5 (MANE Select); coding-DNA position 1739, C replaced by G.
Protein change: p.Ala580Gly; replaces alanine 580 with glycine.
Molecular consequence: missense variant.
Genome position (GRCh38, 1-based): chr16:2,070,478, C>G. VCF-style: chr16-2070478-C-G. GRCh37 (hg19) VCF-style: chr16-2120479-C-G.
Other names: c.1739C>G, p.Ala580Gly (NM_001077183.3, NM_001114382.3, NM_001363528.2 and 3 more transcripts); c.1628C>G, p.Ala543Gly (NM_001318827.2); c.1592C>G, p.Ala531Gly (NM_001318829.2); c.1139C>G, p.Ala380Gly (NM_001318831.2); c.1772C>G, p.Ala591Gly (NM_001318832.2); short protein forms A580G, A543G, A591G, A380G, A531G.
Identifiers: ClinVar variation 535878 (VCV000535878.12), dbSNP rs765043471, ClinGen allele CA033236.
Genomic context (GRCh38, chr16:2,070,478, plus strand): 5'-CCTCCTGCGCCGTGGTGAGCTGCGTCCTCTCTCTGCAGACCAAGCTGTACACCCTGCCTG[C>G]AAGCCACGCCACGCGTGTGTATGAGATGCTGGTCAGCCACATTCAGCTCCACTACAAGCA-3'
Protein context (NP_000539.2, residues 570-590): ILQTKLYTLP[Ala580Gly]SHATRVYEML